The following is an entry in ClinVar:

NM_020987.5(ANK3):c.9287T>G (p.Val3096Gly)

Gene: ANK3 (ankyrin 3; minus strand). Cytogenetic location: 10q21.2.
Variant type: single nucleotide variant.
Coding change: c.9287T>G on transcript NM_020987.5 (MANE Select); coding-DNA position 9287, T replaced by G.
Protein change: p.Val3096Gly; replaces valine 3096 with glycine.
Molecular consequence: missense variant. On other transcripts: intron variant (4).
Genome position (GRCh38, 1-based): chr10:60,071,594, A>C on the plus strand (T>G on the coding strand, the complement: ANK3 is on the minus strand). VCF-style: chr10-60071594-A-C. GRCh37 (hg19) VCF-style: chr10-61831352-A-C.
Other names: c.4388-3585T>G (NM_001204403.2); c.4409-3585T>G (NM_001204404.2); c.4406-3585T>G (NM_001320874.2); c.1808-3585T>G (NM_001149.4); short protein forms V3096G.
Identifiers: ClinVar variation 4527164 (VCV004527164.2).

ClinVar aggregate classification (germline): Uncertain significance (1 of 4 stars; one submission).

Submission:

GeneDx
Classification: Uncertain significance. Last evaluated: 2026-04-13. Review status: criteria provided, single submitter. Criteria: GeneDx Variant Classification Process June 2021. Collection method: clinical testing. Allele origin: germline.
Comment: Not observed at significant frequency in large population cohorts (gnomAD); In silico analysis supports that this missense variant has a deleterious effect on protein structure/function; Has not been previously published as pathogenic or benign to our knowledge